The following is an entry in ClinVar:

ClinVar aggregate classification (germline): Uncertain significance. Review status: criteria provided, multiple submitters, no conflicts (2 of 4 stars). 2 submissions from 2 submitters: Uncertain significance (2). Last evaluated 2025-08-03.

Conditions:
Familial thoracic aortic aneurysm and aortic dissection (TAAD). Also called: Thoracic aortic aneurysms and dissections. Identifiers: Orphanet 91387, MedGen C4707243, MONDO:0019625.
Aortic aneurysm, familial thoracic 7 (AAT7). Also called: AORTIC DISSECTION, FAMILIAL, WITH OR WITHOUT AORTIC ANEURYSM. Identifiers: MedGen C3151077, MONDO:0013418, OMIM 613780.

Allele frequency attached by ClinVar (database versions not stated): gnomAD exomes below 0.00001.
gnomAD v4.1: 6 of 1,613,776 alleles (0.00037%); highest among the groups gnomAD compares: Non-Finnish European, 0.00051%; no homozygotes.

Submissions (2):

Labcorp Genetics (formerly Invitae), Labcorp
Classification: Uncertain significance for Aortic aneurysm, familial thoracic 7. Last evaluated: 2025-08-03. Review status: criteria provided, single submitter. Criteria: Invitae Variant Classification Sherloc (09022015). Collection method: clinical testing. Allele origin: germline.
Comment: This sequence change replaces glutamic acid, which is acidic and polar, with valine, which is neutral and non-polar, at codon 1911 of the MYLK protein (p.Glu1911Val). This variant is present in population databases (rs776151609, gnomAD 0.0009%). This variant has not been reported in the literature in individuals affected with MYLK-related conditions. ClinVar contains an entry for this variant (Variation ID: 1749335). Invitae Evidence Modeling of protein sequence and biophysical properties (such as structural, functional, and spatial information, amino acid conservation, physicochemical variation, residue mobility, and thermodynamic stability) indicates that this missense variant is not expected to disrupt MYLK protein function with a negative predictive value of 80%. In summary, the available evidence is currently insufficient to determine the role of this variant in disease. Therefore, it has been classified as a Variant of Uncertain Significance.

Ambry Genetics
Classification: Uncertain significance for Familial thoracic aortic aneurysm and aortic dissection. Last evaluated: 2021-09-07. Review status: criteria provided, single submitter. Criteria: Ambry Variant Classification Scheme 2023. Collection method: clinical testing. Allele origin: germline.
Comment: The p.E1911V variant (also known as c.5732A>T), located in coding exon 31 of the MYLK gene, results from an A to T substitution at nucleotide position 5732. The glutamic acid at codon 1911 is replaced by valine, an amino acid with dissimilar properties. This amino acid position is conserved. In addition, the in silico prediction for this alteration is inconclusive. Since supporting evidence is limited at this time, the clinical significance of this alteration remains unclear.

NM_053025.4(MYLK):c.5732A>T (p.Glu1911Val)

Genes: MYLK-AS1 (MYLK antisense RNA 1; plus strand), MYLK (myosin light chain kinase; minus strand). Cytogenetic location: 3q21.1.
Variant type: single nucleotide variant.
Coding change: c.5732A>T on transcript NM_053025.4 (MANE Select); coding-DNA position 5732, A replaced by T.
Protein change: p.Glu1911Val; replaces glutamic acid 1911 with valine.
Molecular consequence: missense variant.
Genome position (GRCh38, 1-based): chr3:123,614,118, T>A on the plus strand (A>T on the coding strand, the complement: MYLK is on the minus strand). VCF-style: chr3-123614118-T-A. GRCh37 (hg19) VCF-style: chr3-123332965-T-A.
Other names: c.5204A>T, p.Glu1735Val (NM_001321309.2); c.5525A>T, p.Glu1842Val (NM_053026.4); c.5579A>T, p.Glu1860Val (NM_053027.4); c.5372A>T, p.Glu1791Val (NM_053028.4); c.449A>T, p.Glu150Val (NM_053031.4); c.452A>T, p.Glu151Val (NM_053032.4); short protein forms E150V, E1842V, E151V, E1735V, E1791V, E1860V, E1911V.
Identifiers: ClinVar variation 1749335 (VCV001749335.4), dbSNP rs776151609, ClinGen allele CA82937498.